The following is an entry in ClinVar:

ClinVar aggregate classification (germline): Pathogenic. Review status: criteria provided, single submitter (1 of 4 stars). 2 submissions from 2 submitters: Pathogenic (1). 1 of the submissions does not count toward it. Last evaluated 2025-01-08.

Conditions:
Frasier syndrome. Identifiers: Orphanet 347, MedGen C0950122, MeSH D052159, MONDO:0007635, OMIM 136680.
Wilms tumor 1 (WT1). Also called: Wilms tumor, somatic. Identifiers: Orphanet 654, MedGen CN033288, MONDO:0008679, OMIM 194070.
11p partial monosomy syndrome (WAGR). Also called: CHROMOSOME 11p13 DELETION SYNDROME; WAGR Complex; WAGR syndrome; WAGR Spectrum Disorder. Identifiers: Orphanet 893, MedGen C0206115, MONDO:0008681, OMIM 194072.
Drash syndrome (DDS). Also called: NEPHROPATHY, WILMS TUMOR, AND GENITAL ANOMALIES; WILMS TUMOR AND PSEUDO- OR TRUE HERMAPHRODITISM. Identifiers: Orphanet 220, MedGen C0950121, MONDO:0008682, OMIM 194080.

Submissions (2):

Labcorp Genetics (formerly Invitae), Labcorp
Classification: Pathogenic for Wilms tumor 1; Drash syndrome; 11p partial monosomy syndrome; Frasier syndrome. Last evaluated: 2025-01-08. Review status: criteria provided, single submitter. Criteria: Invitae Variant Classification Sherloc (09022015). Collection method: clinical testing. Allele origin: germline.
Comment: This sequence change replaces histidine, which is basic and polar, with glutamine, which is neutral and polar, at codon 441 of the WT1 protein (p.His441Gln). This variant is not present in population databases (gnomAD no frequency). This missense change has been observed in individual(s) with clinical features of autosomal dominant Denys-Drash syndrome (PMID: 8388765). In at least one individual the variant was observed to be de novo. This variant is also known as 373H to Q. ClinVar contains an entry for this variant (Variation ID: 3498). Invitae Evidence Modeling of protein sequence and biophysical properties (such as structural, functional, and spatial information, amino acid conservation, physicochemical variation, residue mobility, and thermodynamic stability) indicates that this missense variant is expected to disrupt WT1 protein function with a positive predictive value of 95%. For these reasons, this variant has been classified as Pathogenic.

OMIM
Classification: Pathogenic for DENYS-DRASH SYNDROME. Last evaluated: 2016-10-18. Review status: no assertion criteria provided. Collection method: literature only. Allele origin: germline. Not counted in ClinVar's aggregate classification.

Literature cited by the submitters: PubMed 8388765 (cited by Labcorp Genetics (formerly Invitae), Labcorp); PubMed 9090524 (cited by OMIM).

NM_024426.6(WT1):c.1338C>G (p.His446Gln)

Gene: WT1 (WT1 transcription factor; minus strand). Cytogenetic location: 11p13.
Variant type: single nucleotide variant.
Coding change: c.1338C>G on transcript NM_024426.6 (MANE Select); coding-DNA position 1338, C replaced by G.
Protein change: p.His446Gln; replaces histidine 446 with glutamine.
Molecular consequence: missense variant. On other transcripts: non-coding transcript variant (1).
Genome position (GRCh38, 1-based): chr11:32,392,682, G>C on the plus strand (C>G on the coding strand, the complement: WT1 is on the minus strand). VCF-style: chr11-32392682-G-C. GRCh37 (hg19) VCF-style: chr11-32414228-G-C.
Other names: WT1, HIS373GLN; c.1287C>G, p.His429Gln (NM_000378.6, NM_001407045.1, NM_001407049.1); c.687C>G, p.His229Gln (NM_001198551.2); c.636C>G, p.His212Gln (NM_001198552.2); c.150C>G, p.His50Gln (NM_001367854.1); c.1332C>G, p.His444Gln (NM_001407044.1); c.1338C>G, p.His446Gln (NM_001407046.1, NM_024424.5); c.1215C>G, p.His405Gln (NM_001407047.1); and 3 more; short protein forms H229Q, H429Q, H212Q, H446Q, H50Q, H444Q, H192Q, H388Q.
Identifiers: ClinVar variation 3498 (VCV000003498.5), dbSNP rs121907907, ClinGen allele CA016292.